The following is an entry in ClinVar:

NM_001244008.2(KIF1A):c.802G>T (p.Gly268Trp)

Gene: KIF1A (kinesin family member 1A; minus strand). Cytogenetic location: 2q37.3.
Variant type: single nucleotide variant.
Coding change: c.802G>T on transcript NM_001244008.2 (MANE Select); coding-DNA position 802, G replaced by T.
Protein change: p.Gly268Trp; replaces glycine 268 with tryptophan.
Molecular consequence: missense variant.
Genome position (GRCh38, 1-based): chr2:240,783,106, C>A on the plus strand (G>T on the coding strand, the complement: KIF1A is on the minus strand). VCF-style: chr2-240783106-C-A. GRCh37 (hg19) VCF-style: chr2-241722523-C-A.
Other names: c.802G>T, p.Gly268Trp (NM_001320705.2, NM_001330289.2, NM_001330290.2 and 20 more transcripts); short protein forms G268W.
Identifiers: ClinVar variation 3753713 (VCV003753713.2).

ClinVar aggregate classification (germline): Likely pathogenic (1 of 4 stars; one submission).

Conditions:
Neuropathy, hereditary sensory, type 2C. Also called: KIF1A-Related HSAN2 (HSAN2C); Hereditary sensory and autonomic neuropathy type IIC. Identifiers: Orphanet 970, MedGen C3280168, MONDO:0013634, OMIM 614213.
Hereditary spastic paraplegia 30. Identifiers: Orphanet 101010, MedGen C5235139, MONDO:0012476.
Intellectual disability, autosomal dominant 9 (NESCAVS). Also called: KIF1A-Related Neurodevelopmental Disorder; NESCAV SYNDROME. Identifiers: Orphanet 662367, MedGen C5393830, MONDO:0013656, OMIM 614255.

Submission:

Labcorp Genetics (formerly Invitae), Labcorp
Classification: Likely pathogenic for Hereditary spastic paraplegia 30; Neuropathy, hereditary sensory, type 2C; Intellectual disability, autosomal dominant 9. Last evaluated: 2024-09-09. Review status: criteria provided, single submitter. Criteria: Invitae Variant Classification Sherloc (09022015). Collection method: clinical testing. Allele origin: germline.
Comment: This sequence change replaces glycine, which is neutral and non-polar, with tryptophan, which is neutral and slightly polar, at codon 268 of the KIF1A protein (p.Gly268Trp). This variant is not present in population databases (gnomAD no frequency). This missense change has been observed in individual(s) with clinical features of autosomal dominant hereditary spastic paraplegia (internal data). Invitae Evidence Modeling of protein sequence and biophysical properties (such as structural, functional, and spatial information, amino acid conservation, physicochemical variation, residue mobility, and thermodynamic stability) indicates that this missense variant is expected to disrupt KIF1A protein function with a positive predictive value of 95%. This variant disrupts the p.Gly268 amino acid residue in KIF1A. Other variant(s) that disrupt this residue have been determined to be pathogenic (internal data). This suggests that this residue is clinically significant, and that variants that disrupt this residue are likely to be disease-causing. In summary, the currently available evidence indicates that the variant is pathogenic, but additional data are needed to prove that conclusively. Therefore, this variant has been classified as Likely Pathogenic.